The following is an entry in ClinVar:

NM_000179.3(MSH6):c.1007C>G (p.Thr336Ser)

Gene: MSH6 (mutS homolog 6; plus strand). Cytogenetic location: 2p16.3.
Variant type: single nucleotide variant.
Coding change: c.1007C>G on transcript NM_000179.3 (MANE Select); coding-DNA position 1007, C replaced by G.
Protein change: p.Thr336Ser; replaces threonine 336 with serine.
Molecular consequence: missense variant.
Genome position (GRCh38, 1-based): chr2:47,798,990, C>G. VCF-style: chr2-47798990-C-G. GRCh37 (hg19) VCF-style: chr2-48026129-C-G.
Other names: p.Thr336Ser; c.617C>G, p.Thr206Ser (NM_001281492.2); c.101C>G, p.Thr34Ser (NM_001281493.2, NM_001281494.2); short protein forms T336S, T206S, T34S.
Identifiers: ClinVar variation 141908 (VCV000141908.19), dbSNP rs587782102, ClinGen allele CA007788.
Genomic context (GRCh38, chr2:47,798,990, plus strand): 5'-GGAAGGAAACGCCCTCAGCCACCAAACAAGCAACTAGCATTTCATCAGAAACCAAGAATA[C>G]TTTGAGAGCTTTCTCTGCCCCTCAAAATTCTGAATCCCAAGCCCACGTTAGTGGAGGTGG-3'
Protein context (NP_000170.1, residues 326-346): ATSISSETKN[Thr336Ser]LRAFSAPQNS

ClinVar aggregate classification (germline): Conflicting classifications of pathogenicity. Review status: criteria provided, conflicting classifications (1 of 4 stars). 5 submissions from 5 submitters: Uncertain significance (3); Likely benign (1). 1 of the submissions does not count toward it. Last evaluated 2025-09-23.

Conditions:
Hereditary nonpolyposis colorectal neoplasms. Identifiers: MedGen C0009405, MeSH D003123.
Hereditary cancer-predisposing syndrome. Also called: Neoplastic Syndromes, Hereditary; Tumor predisposition; Hereditary Cancer Syndrome; Hereditary neoplastic syndrome. Identifiers: Orphanet 140162, MedGen C0027672, MeSH D009386, MONDO:0015356.
Lynch syndrome. Identifiers: Orphanet 144, MedGen C4552100, MONDO:0005835. Disease mechanism: loss of function.

Allele frequency attached by ClinVar (database versions not stated): TOPMed 0.00001; gnomAD 0.00002.
gnomAD v4.1: 4 of 1,614,110 alleles (0.00025%); highest among the groups gnomAD compares: South Asian, 0.0011%; no homozygotes.

Submissions (5):

Labcorp Genetics (formerly Invitae), Labcorp
Classification: Likely benign for Hereditary nonpolyposis colorectal neoplasms. Last evaluated: 2025-09-23. Review status: criteria provided, single submitter. Criteria: Invitae Variant Classification Sherloc (09022015). Collection method: clinical testing. Allele origin: germline.

Ambry Genetics
Classification: Uncertain significance for Hereditary cancer-predisposing syndrome. Last evaluated: 2025-06-15. Review status: criteria provided, single submitter. Criteria: Ambry Variant Classification Scheme 2023. Collection method: clinical testing. Allele origin: germline.
Comment: The p.T336S variant (also known as c.1007C>G), located in coding exon 4 of the MSH6 gene, results from a C to G substitution at nucleotide position 1007. The threonine at codon 336 is replaced by serine, an amino acid with similar properties. This amino acid position is not well conserved in available vertebrate species. In addition, this alteration is predicted to be tolerated by in silico analysis. Since supporting evidence is limited at this time, the clinical significance of this alteration remains unclear.

Mayo Clinic Laboratories, Mayo Clinic
Classification: Uncertain significance. Last evaluated: 2024-01-29. Review status: criteria provided, single submitter. Criteria: ACMG Guidelines, 2015. Collection method: clinical testing. Allele origin: germline. Observed: 1 variant allele.
Comment: BP4

All of Us Research Program, National Institutes of Health
Classification: Uncertain significance for Lynch syndrome. Last evaluated: 2023-05-16. Review status: criteria provided, single submitter. Criteria: ACMG Guidelines, 2015. Collection method: clinical testing. Allele origin: germline. Inheritance: Autosomal dominant inheritance. Observed: 1 variant allele, 1 heterozygote.
Comment: This missense variant replaces threonine with serine at codon 336 of the MSH6 protein. Computational prediction suggests that this variant may not impact protein structure and function (internally defined REVEL score threshold <= 0.5, PMID: 27666373). To our knowledge, functional studies have not been reported for this variant. This variant has not been reported in individuals affected with MSH6-related disorders in the literature. This variant has been identified in 2/251354 chromosomes in the general population by the Genome Aggregation Database (gnomAD). The available evidence is insufficient to determine the role of this variant in disease conclusively. Therefore, this variant is classified as a Variant of Uncertain Significance.

This study involves interpretation of variants in research participants for the purpose of population health screening. Participant phenotype was not available at the time of variant classification. Additional details can be found in publication PMID: 35346344, PMCID: PMC8962531

Department of Pathology and Laboratory Medicine, Sinai Health System
Classification: Uncertain significance. Review status: no assertion criteria provided. Collection method: clinical testing. Allele origin: unknown. Affected: yes. Observed: 1 variant allele. Study: The Canadian Open Genetics Repository (COGR). Not counted in ClinVar's aggregate classification.
Comment: The MSH6 p.Thr336Ser variant was not identified in the literature nor was it identified in the COGR, Cosmic, MutDB, UMD-LSDB, Zhejiang University Database, Mismatch Repair Genes Variant Database, or Insight Hereditary Tumors databases. The variant was identified in dbSNP (ID: rs587782102) as "With Uncertain significance allele", and in ClinVar database (classified as uncertain significance by Ambry Genetics). The variant was identified in control databases in 2 of 246140 chromosomes at a frequency of 0.000008 (Genome Aggregation Database Feb 27, 2017). The variant was observed in the following populations: European in 1 of 111612 chromosomes (freq: 0.000009), and South Asian in 1 of 30782 chromosomes (freq: 0.00003), but not in the African, Other, Latino, Ashkenazi Jewish, East Asian, or Finnish populations. The p.Thr336 residue is conserved in mammals but not in more distantly related organisms however computational analyses (PolyPhen-2, SIFT, AlignGVGD, BLOSUM, MutationTaster) do not suggest a high likelihood of impact to the protein; this information is not predictive enough to rule out pathogenicity. The variant occurs outside of the splicing consensus sequence and in silico or computational prediction software programs (SpliceSiteFinder, MaxEntScan, NNSPLICE, GeneSplicer) do not predict a difference in splicing. In summary, based on the above information the clinical significance of this variant cannot be determined with certainty at this time. This variant is classified as a variant of uncertain significance.